The following is an entry in ClinVar:

NM_006445.4(PRPF8):c.6247C>T (p.Leu2083=)

Gene: PRPF8 (pre-mRNA processing factor 8; minus strand). Cytogenetic location: 17p13.3.
Variant type: single nucleotide variant.
Coding change: c.6247C>T on transcript NM_006445.4 (MANE Select); coding-DNA position 6247, C replaced by T.
Protein change: p.Leu2083=; no amino-acid change (leucine 2083 retained).
Molecular consequence: synonymous variant.
Genome position (GRCh38, 1-based): chr17:1,653,664, G>A on the plus strand (C>T on the coding strand, the complement: PRPF8 is on the minus strand). VCF-style: chr17-1653664-G-A. GRCh37 (hg19) VCF-style: chr17-1556958-G-A.
Identifiers: ClinVar variation 321876 (VCV000321876.24), dbSNP rs34341522, ClinGen allele CA8271221.

ClinVar aggregate classification (germline): Benign. Review status: criteria provided, multiple submitters, no conflicts (2 of 4 stars). 4 submissions from 4 submitters: Benign (4). Last evaluated 2026-01-27.

Conditions:
Retinitis pigmentosa (RP). Identifiers: Orphanet 791, MedGen C0035334, MeSH D012174, MONDO:0019200, OMIM 268000. Inheritance: Autosomal dominant, autosomal recessive and X linked inheritance.
Retinitis pigmentosa 13 (RP13). Also called: PRPF 8-Related Retinitis Pigmentosa. Identifiers: Orphanet 791, MedGen C1838702, MONDO:0010806, OMIM 600059.

Allele frequency attached by ClinVar (database versions not stated): ExAC 0.00442; 1000 Genomes Project 0.01178; 1000 Genomes Project 30x 0.01265; gnomAD 0.01391 and 0.01503; TOPMed 0.01570; ESP Exome Variant Server 0.01730; gnomAD exomes 0.00145 and 0.00362.
gnomAD v4.1: 4,309 of 1,614,142 alleles (0.27%); highest among the groups gnomAD compares: African/African-American, 4.9%; 89 homozygotes.

Submissions (4):

Labcorp Genetics (formerly Invitae), Labcorp
Classification: Benign. Last evaluated: 2026-01-27. Review status: criteria provided, single submitter. Criteria: Invitae Variant Classification Sherloc (09022015). Collection method: clinical testing. Allele origin: germline.

ARUP Laboratories, Molecular Genetics and Genomics, ARUP Laboratories
Classification: Benign for Retinitis pigmentosa 13. Last evaluated: 2023-09-21. Review status: criteria provided, single submitter. Criteria: ARUP Molecular Germline Variant Investigation Process 2024. Collection method: clinical testing. Allele origin: germline.

Illumina Laboratory Services, Illumina
Classification: Benign for Retinitis pigmentosa. Last evaluated: 2018-01-13. Review status: criteria provided, single submitter. Criteria: ICSL Variant Classification Criteria 13 December 2019. Collection method: clinical testing. Allele origin: germline.
Comment: This variant was observed in the ICSL laboratory as part of a predisposition screen in an ostensibly healthy population. It had not been previously curated by ICSL or reported in the Human Gene Mutation Database (HGMD: prior to June 1st, 2018), and was therefore a candidate for classification through an automated scoring system. Utilizing variant allele frequency, disease prevalence and penetrance estimates, and inheritance mode, an automated score was calculated to assess if this variant is too frequent to cause the disease. Based on the score and internal cut-off values, a variant classified as benign is not then subjected to further curation. The score for this variant resulted in a classification of benign for this disease.

Breakthrough Genomics
Classification: Benign. Review status: criteria provided, single submitter. Criteria: ACMG Guidelines, 2015. Collection method: not provided. Allele origin: germline. Inheritance: Autosomal dominant inheritance. Affected: yes.